The following is an entry in ClinVar:

ClinVar aggregate classification (germline): Pathogenic. Review status: criteria provided, multiple submitters, no conflicts (2 of 4 stars). 2 submissions from 2 submitters: Pathogenic (2). Last evaluated 2024-12-18.

Conditions:
Severe intellectual disability-progressive spastic diplegia syndrome (NEDSDV). Also called: NEURODEVELOPMENTAL DISORDER WITH SPASTIC DIPLEGIA AND VISUAL DEFECTS; CTNNB1 Neurodevelopmental Disorder. Identifiers: Orphanet 404473, MedGen C3554449, MONDO:0014035, OMIM 615075.

Submissions (2):

GeneDx
Classification: Pathogenic. Last evaluated: 2024-12-18. Review status: criteria provided, single submitter. Criteria: GeneDx Variant Classification Process June 2021. Collection method: clinical testing. Allele origin: germline. Affected: yes.
Comment: Canonical splice site variant predicted to result in a null allele in a gene for which loss of function is a known mechanism of disease; Not observed at significant frequency in large population cohorts (gnomAD); This variant is associated with the following publications: (PMID: 28856709, 35935366)

3billion
Classification: Pathogenic for Severe intellectual disability-progressive spastic diplegia syndrome. Last evaluated: 2024-02-23. Review status: criteria provided, single submitter. Criteria: ACMG Guidelines, 2015. Collection method: clinical testing. Allele origin: germline. Affected: yes.
Comment: The variant is not observed in the gnomAD v2.1.1 dataset. Predicted Consequence/Location: Canonical splice site: predicted to alter splicing and result in a loss or disruption of normal protein function. Multiple pathogenic loss-of-function variants are reported downstream of the variant. The variant has been reported at least twice as pathogenic without evidence for the classification (ClinVar ID: VCV001320120). Therefore, this variant is classified as Pathogenic according to the recommendation of ACMG/AMP guideline.

NM_001904.4(CTNNB1):c.1082-1G>C

Gene: CTNNB1 (catenin beta 1; plus strand). Cytogenetic location: 3p22.1.
Variant type: single nucleotide variant.
Coding change: c.1082-1G>C on transcript NM_001904.4 (MANE Select); the canonical splice acceptor site of the intron before coding-DNA position 1082, G replaced by C.
Molecular consequence: splice acceptor variant.
Genome position (GRCh38, 1-based): chr3:41,233,340, G>C. VCF-style: chr3-41233340-G-C. GRCh37 (hg19) VCF-style: chr3-41274831-G-C.
Other names: c.1061-1G>C (NM_001330729.2); c.1082-1G>C (NM_001098209.2, NM_001098210.2).
Identifiers: ClinVar variation 1320120 (VCV001320120.6), dbSNP rs2125637461, ClinGen allele CA352231982.